The following is an entry in ClinVar:

ClinVar aggregate classification (germline): Uncertain significance (1 of 4 stars; one submission).

gnomAD v4.1: 1 of 1,328,110 alleles (0.000075%); highest among the groups gnomAD compares: Non-Finnish European, 0.0001%; no homozygotes.

Submission:

Women's Health and Genetics/Laboratory Corporation of America, LabCorp
Classification: Uncertain significance. Last evaluated: 2025-01-23. Review status: criteria provided, single submitter. Criteria: LabCorp Variant Classification Summary - May 2015. Collection method: clinical testing. Allele origin: germline.
Comment: Variant summary: CFHR3 c.485C>T (p.Ser162Phe) results in a non-conservative amino acid change located in the Sushi/CCP/SCR domain profile (IPR000436) of the encoded protein sequence. Four of five in-silico tools predict a benign effect of the variant on protein function. The variant was absent in 172398 control chromosomes. The available data on variant occurrences in the general population are insufficient to allow any conclusion about variant significance. To our knowledge, no occurrence of c.485C>T in individuals affected with Genetic Atypical Hemolytic Uremic Syndrome and no experimental evidence demonstrating its impact on protein function have been reported. No submitters have cited clinical-significance assessments for this variant to ClinVar. Based on the evidence outlined above, the variant was classified as uncertain significance.

NM_021023.6(CFHR3):c.485C>T (p.Ser162Phe)

Gene: CFHR3 (complement factor H related 3; plus strand). Cytogenetic location: 1q31.3.
Variant type: single nucleotide variant.
Coding change: c.485C>T on transcript NM_021023.6 (MANE Select); coding-DNA position 485, C replaced by T.
Protein change: p.Ser162Phe; replaces serine 162 with phenylalanine.
Molecular consequence: missense variant. On other transcripts: intron variant (1).
Genome position (GRCh38, 1-based): chr1:196,788,270, C>T. VCF-style: chr1-196788270-C-T. GRCh37 (hg19) VCF-style: chr1-196757400-C-T.
Other names: c.431-1775C>T (NM_001166624.2); short protein forms S162F.
Identifiers: ClinVar variation 3769467 (VCV003769467.2).